The following is an entry in ClinVar:

NM_003072.5(SMARCA4):c.4473A>C (p.Arg1491=)

Gene: SMARCA4 (SWI/SNF related BAF chromatin remodeling complex subunit ATPase 4; plus strand). Cytogenetic location: 19p13.2.
Variant type: single nucleotide variant.
Coding change: c.4473A>C on transcript NM_003072.5 (MANE Select); coding-DNA position 4473, A replaced by C.
Protein change: p.Arg1491=; no amino-acid change (arginine 1491 retained).
Molecular consequence: synonymous variant. On other transcripts: non-coding transcript variant (1).
Genome position (GRCh38, 1-based): chr19:11,058,303, A>C. VCF-style: chr19-11058303-A-C. GRCh37 (hg19) VCF-style: chr19-11168979-A-C.
Other names: c.4473A>C, p.Arg1491= (NM_001128844.3); c.4383A>C, p.Arg1461= (NM_001128845.2); c.4380A>C, p.Arg1460= (NM_001128846.2); c.4374A>C, p.Arg1458= (NM_001128847.4, NM_001374457.1); c.4371A>C, p.Arg1457= (NM_001128848.2); c.4569A>C, p.Arg1523= (NM_001128849.3, NM_001387283.1); c.4470A>C, p.Arg1490= (NM_001411150.1).
Identifiers: ClinVar variation 3052962 (VCV003052962.2), dbSNP rs2147086404, ClinGen allele CA505494803.

ClinVar aggregate classification (germline): Likely benign (0 of 4 stars; one submission).

Conditions:
SMARCA4-related disorder. Also called: SMARCA4-related condition.

Submission:

PreventionGenetics, part of Exact Sciences
Classification: Likely benign for SMARCA4-related condition. Last evaluated: 2024-02-22. Review status: no assertion criteria provided. Collection method: clinical testing. Allele origin: germline.
Comment: This variant is classified as likely benign based on ACMG/AMP sequence variant interpretation guidelines (Richards et al. 2015 PMID: 25741868, with internal and published modifications).